The following is an entry in ClinVar:

NM_015450.3(POT1):c.1664T>C (p.Leu555Pro)

Gene: POT1 (protection of telomeres 1; minus strand). Cytogenetic location: 7q31.33.
Variant type: single nucleotide variant.
Coding change: c.1664T>C on transcript NM_015450.3 (MANE Select); coding-DNA position 1664, T replaced by C.
Protein change: p.Leu555Pro; replaces leucine 555 with proline.
Molecular consequence: missense variant. On other transcripts: non-coding transcript variant (3).
Genome position (GRCh38, 1-based): chr7:124,827,236, A>G on the plus strand (T>C on the coding strand, the complement: POT1 is on the minus strand). VCF-style: chr7-124827236-A-G. GRCh37 (hg19) VCF-style: chr7-124467290-A-G.
Other names: c.1271T>C, p.Leu424Pro (NM_001042594.2); short protein forms L555P, L424P.
Identifiers: ClinVar variation 819782 (VCV000819782.8), dbSNP rs1584747751, ClinGen allele CA369062940.

ClinVar aggregate classification (germline): Uncertain significance. Review status: criteria provided, multiple submitters, no conflicts (2 of 4 stars). 2 submissions from 2 submitters: Uncertain significance (2). Last evaluated 2024-12-20.

Conditions:
Hereditary cancer-predisposing syndrome. Also called: Tumor predisposition; Hereditary Cancer Syndrome; Hereditary neoplastic syndrome; Neoplastic Syndromes, Hereditary. Identifiers: Orphanet 140162, MedGen C0027672, MeSH D009386, MONDO:0015356.
Tumor predisposition syndrome 3 (TPDS3). Also called: Glioma susceptibility 9; LONG TELOMERE SYNDROME, POT1-RELATED; POT1 Tumor Predisposition; Melanoma, cutaneous malignant, susceptibility to, 10. Identifiers: Orphanet 618, MedGen C4014476, MONDO:0014368, OMIM 615848.

Submissions (2):

Ambry Genetics
Classification: Uncertain significance for Hereditary cancer-predisposing syndrome. Last evaluated: 2024-12-20. Review status: criteria provided, single submitter. Criteria: Ambry Variant Classification Scheme 2023. Collection method: clinical testing. Allele origin: germline.
Comment: The p.L555P variant (also known as c.1664T>C), located in coding exon 13 of the POT1 gene, results from a T to C substitution at nucleotide position 1664. The leucine at codon 555 is replaced by proline, an amino acid with similar properties. This amino acid position is highly conserved in available vertebrate species. In addition, this alteration is predicted to be deleterious by in silico analysis. Since supporting evidence is limited at this time, the clinical significance of this alteration remains unclear.

Labcorp Genetics (formerly Invitae), Labcorp
Classification: Uncertain significance for Tumor predisposition syndrome 3. Last evaluated: 2024-01-23. Review status: criteria provided, single submitter. Criteria: Invitae Variant Classification Sherloc (09022015). Collection method: clinical testing. Allele origin: germline.
Comment: This sequence change replaces leucine, which is neutral and non-polar, with proline, which is neutral and non-polar, at codon 555 of the POT1 protein (p.Leu555Pro). This variant is not present in population databases (gnomAD no frequency). This variant has not been reported in the literature in individuals affected with POT1-related conditions. ClinVar contains an entry for this variant (Variation ID: 819782). Advanced modeling of protein sequence and biophysical properties (such as structural, functional, and spatial information, amino acid conservation, physicochemical variation, residue mobility, and thermodynamic stability) performed at Invitae indicates that this missense variant is not expected to disrupt POT1 protein function with a negative predictive value of 80%. In summary, the available evidence is currently insufficient to determine the role of this variant in disease. Therefore, it has been classified as a Variant of Uncertain Significance.